The following is an entry in ClinVar:

NM_001243925.2(MAPKAPK3):c.644del (p.Gly215fs)

Gene: MAPKAPK3 (MAPK activated protein kinase 3; plus strand). Cytogenetic location: 3p21.2.
Variant type: Deletion.
Coding change: c.644del on transcript NM_001243925.2 (MANE Select); coding-DNA position 644, one base deleted (G; older notation c.644delG).
Protein change: p.Gly215fs; shifts the reading frame from glycine 215.
Molecular consequence: frameshift variant.
Genome position (GRCh38, 1-based): chr3:50,645,725, G deleted; the last of 3 consecutive G bases (chr3:50,645,723-50,645,725); deleting any one gives the same sequence. VCF-style (leftmost placement, unchanged base first): chr3-50645722-TG-T. GRCh37 (hg19) VCF-style: chr3-50683153-TG-T.
Other names: c.644del, p.Gly215fs (NM_001243926.2, NM_004635.5); short protein forms G215fs.
Identifiers: ClinVar variation 2980549 (VCV002980549.3), dbSNP rs1230839041, ClinGen allele CA542863568.
Genomic context (GRCh38, chr3:50,645,722, plus strand): 5'-TCCAAGACCCTTGGGTCTGAGAGCCCTGCTGTCCCTCTGCCCTGGCAGCCCCTGAGGTCC[TG>T]GGTCCAGAGAAGTATGACAAGTCATGTGACATGTGGTCCCTGGGTGTCATCATGTACATC-3'

ClinVar aggregate classification (germline): Uncertain significance (1 of 4 stars; one submission).

Submission:

Labcorp Genetics (formerly Invitae), Labcorp
Classification: Uncertain significance. Last evaluated: 2022-11-20. Review status: criteria provided, single submitter. Criteria: Invitae Variant Classification Sherloc (09022015). Collection method: clinical testing. Allele origin: germline.
Comment: This sequence change creates a premature translational stop signal (p.Gly215Valfs*40) in the MAPKAPK3 gene. It is expected to result in an absent or disrupted protein product. However, the current clinical and genetic evidence is not sufficient to establish whether loss-of-function variants in MAPKAPK3 cause disease. This variant is present in population databases (no rsID available, gnomAD 0.01%). This variant has not been reported in the literature in individuals affected with MAPKAPK3-related conditions. In summary, the available evidence is currently insufficient to determine the role of this variant in disease. Therefore, it has been classified as a Variant of Uncertain Significance.